The following is an entry in ClinVar:

NM_012479.4(YWHAG):c.88-1G>A

Gene: YWHAG (tyrosine 3-monooxygenase/tryptophan 5-monooxygenase activation protein gamma; minus strand). Cytogenetic location: 7q11.23.
Variant type: single nucleotide variant.
Coding change: c.88-1G>A on transcript NM_012479.4 (MANE Select); the canonical splice acceptor site of the intron before coding-DNA position 88, G replaced by A.
Molecular consequence: splice acceptor variant.
Genome position (GRCh38, 1-based): chr7:76,330,234, C>T on the plus strand (G>A on the coding strand, the complement: YWHAG is on the minus strand). VCF-style: chr7-76330234-C-T. GRCh37 (hg19) VCF-style: chr7-75959551-C-T.
Identifiers: ClinVar variation 2573568 (VCV002573568.1), dbSNP rs2536181415, ClinGen allele CA367778178.
Genomic context (GRCh38, chr7:76,330,234, plus strand): 5'-GTAGGCCACAGACAGAAGGTTTCGTTCCTCATTCGACAGTGGCTCATTCAGCTCTGTCAC[C>T]TGCCAGGAGGAAAGAACAGAGTTGTTATGGTACAGATGGTGTCCACTGGGTTAACTGTAT-3'

ClinVar aggregate classification (germline): Uncertain significance (1 of 4 stars; one submission).

Submission:

Women's Health and Genetics/Laboratory Corporation of America, LabCorp
Classification: Uncertain significance. Last evaluated: 2023-06-27. Review status: criteria provided, single submitter. Criteria: LabCorp Variant Classification Summary - May 2015. Collection method: clinical testing. Allele origin: germline.
Comment: Variant summary: YWHAG c.88-1G>A is located in a canonical splice-site and is predicted to affect mRNA splicing resulting in a significantly altered protein due to either exon skipping, shortening, or inclusion of intronic material. Several computational tools predict a significant impact on normal splicing: Four predict the variant abolishes a canonical 3' acceptor site and two predict the variant creates a cryptic 3' acceptor site 1nt downstream into exon 2. However, these predictions have yet to be confirmed by functional studies. The variant was absent in 243102 control chromosomes (gnomAD). The available data on variant occurrences in the general population are insufficient to allow any conclusion about variant significance. To our knowledge, no occurrence of c.88-1G>A in individuals affected with Developmental And Epileptic Encephalopathy, 56 and no experimental evidence demonstrating its impact on protein function have been reported. No submitters have cited clinical-significance assessments for this variant to ClinVar after 2014. Based on the evidence outlined above, the variant was classified as uncertain significance.